The following is an entry in ClinVar:

ClinVar aggregate classification (germline): Uncertain significance (1 of 4 stars; one submission).

Allele frequency attached by ClinVar (database versions not stated): gnomAD exomes below 0.00001.
gnomAD v4.1: 7 of 1,613,712 alleles (0.00043%); highest among the groups gnomAD compares: South Asian, 0.0011%; no homozygotes.

Submission:

Labcorp Genetics (formerly Invitae), Labcorp
Classification: Uncertain significance. Last evaluated: 2021-12-02. Review status: criteria provided, single submitter. Criteria: Invitae Variant Classification Sherloc (09022015). Collection method: clinical testing. Allele origin: germline.
Comment: This variant is not present in population databases (gnomAD no frequency). This variant has not been reported in the literature in individuals affected with ARNT2-related conditions. Algorithms developed to predict the effect of missense changes on protein structure and function are either unavailable or do not agree on the potential impact of this missense change (SIFT: "Deleterious"; PolyPhen-2: "Benign"; Align-GVGD: "Class C0"). In summary, the available evidence is currently insufficient to determine the role of this variant in disease. Therefore, it has been classified as a Variant of Uncertain Significance. This sequence change replaces arginine, which is basic and polar, with glutamine, which is neutral and polar, at codon 46 of the ARNT2 protein (p.Arg46Gln).

NM_014862.4(ARNT2):c.137G>A (p.Arg46Gln)

Gene: ARNT2 (aryl hydrocarbon receptor nuclear translocator 2; plus strand). Cytogenetic location: 15q25.1.
Variant type: single nucleotide variant.
Coding change: c.137G>A on transcript NM_014862.4 (MANE Select); coding-DNA position 137, G replaced by A.
Protein change: p.Arg46Gln; replaces arginine 46 with glutamine.
Molecular consequence: missense variant.
Genome position (GRCh38, 1-based): chr15:80,450,985, G>A. VCF-style: chr15-80450985-G-A. GRCh37 (hg19) VCF-style: chr15-80743326-G-A.
Other names: short protein forms R46Q.
Identifiers: ClinVar variation 1358706 (VCV001358706.8), dbSNP rs2141380602, ClinGen allele CA393653475.
Genomic context (GRCh38, chr15:80,450,985, plus strand): 5'-CCATGGCGGCCACCGGACAGGTGAGGATGGCGGGGGCCATGCCTGCCCGTGGAGGAAAGC[G>A]GCGTTCCGGGTAAGCGACCTCAGCGTTTCCAGGAATTGGCTTAATAAATGTTGAGCAATG-3'
Protein context (NP_055677.3, residues 36-56): AGAMPARGGK[Arg46Gln]RSGMDFDDED